The following is an entry in ClinVar:

NM_006019.4(TCIRG1):c.1335C>G (p.Tyr445Ter)

Gene: TCIRG1 (T cell immune regulator 1, ATPase H+ transporting V0 subunit a3; plus strand). Cytogenetic location: 11q13.2.
Variant type: single nucleotide variant.
Coding change: c.1335C>G on transcript NM_006019.4 (MANE Select); coding-DNA position 1335, C replaced by G.
Protein change: p.Tyr445Ter; replaces tyrosine 445 with a stop codon.
Molecular consequence: nonsense. On other transcripts: intron variant (2).
Genome position (GRCh38, 1-based): chr11:68,047,676, C>G. VCF-style: chr11-68047676-C-G. GRCh37 (hg19) VCF-style: chr11-67815143-C-G.
Other names: c.441C>G, p.Tyr147Ter (NM_001351059.2); c.1335C>G, p.Tyr445Ter (NM_001440552.1, NM_001440553.1, NM_001440554.1 and 2 more transcripts); c.1293C>G, p.Tyr431Ter (NM_001440555.1, NM_001440556.1, NM_001440563.1); c.1122C>G, p.Tyr374Ter (NM_001440559.1, NM_001440560.1, NM_001440561.1 and 2 more transcripts); c.1080C>G, p.Tyr360Ter (NM_001440564.1); c.1035C>G, p.Tyr345Ter (NM_001440565.1); c.867C>G, p.Tyr289Ter (NM_001440568.1); c.687C>G, p.Tyr229Ter (NM_006053.4); and 2 more; short protein forms Y147*, Y229*, Y289*, Y345*, Y360*, Y374*, Y431*, Y445*.
Identifiers: ClinVar variation 5016280 (VCV005016280.1).

ClinVar aggregate classification (germline): Pathogenic (1 of 4 stars; one submission).

Conditions:
Autosomal recessive osteopetrosis 1. Also called: ALBERS-SCHONBERG DISEASE, AUTOSOMAL RECESSIVE; TCIRG1-Related Autosomal Recessive Osteopetrosis; TCIRG1-Related Osteopetrosis. Identifiers: Orphanet 667, MedGen C1850127, MONDO:0009815, OMIM 259700.

Submission:

Myriad Genetics, Inc.
Classification: Pathogenic for Autosomal recessive osteopetrosis 1. Last evaluated: 2026-08-25. Review status: criteria provided, single submitter. Criteria: Myriad Autosomal Dominant, Autosomal Recessive and X-Linked Classification Criteria (2023). Collection method: clinical testing. Allele origin: unknown.
Comment: NM_006019.3(TCIRG1):c.1335C>G(Y445*) is expected to be pathogenic in the context of autosomal recessive osteopetrosis type 1. This variant is predicted to lead to an abnormal or absent protein product due to the creation of a premature termination codon in TCIRG1, a gene where loss-of-function variants are known to be pathogenic. Please note: this variant was assessed in the context of healthy population screening.